The following is an entry in ClinVar:

ClinVar aggregate classification (germline): Uncertain significance (1 of 4 stars; one submission).

Allele frequency attached by ClinVar (database versions not stated): gnomAD exomes 0.00003; TOPMed 0.00005; gnomAD 0.00008; ExAC 0.00009.
gnomAD v4.1: 54 of 1,592,486 alleles (0.0034%); highest among the groups gnomAD compares: African/African-American, 0.016%; no homozygotes.

Submission:

Labcorp Genetics (formerly Invitae), Labcorp
Classification: Uncertain significance. Last evaluated: 2022-02-28. Review status: criteria provided, single submitter. Criteria: Invitae Variant Classification Sherloc (09022015). Collection method: clinical testing. Allele origin: germline.
Comment: This sequence change replaces arginine, which is basic and polar, with histidine, which is basic and polar, at codon 2068 of the LAMA5 protein (p.Arg2068His). The frequency data for this variant in the population databases is considered unreliable, as metrics indicate poor data quality at this position in the gnomAD database. This variant has not been reported in the literature in individuals affected with LAMA5-related conditions. Algorithms developed to predict the effect of missense changes on protein structure and function output the following: SIFT: "Tolerated"; PolyPhen-2: "Benign"; Align-GVGD: "Class C0". The histidine amino acid residue is found in multiple mammalian species, which suggests that this missense change does not adversely affect protein function. In summary, the available evidence is currently insufficient to determine the role of this variant in disease. Therefore, it has been classified as a Variant of Uncertain Significance.

NM_005560.6(LAMA5):c.6203G>A (p.Arg2068His)

Gene: LAMA5 (laminin subunit alpha 5; minus strand). Cytogenetic location: 20q13.33.
Variant type: single nucleotide variant.
Coding change: c.6203G>A on transcript NM_005560.6 (MANE Select); coding-DNA position 6203, G replaced by A.
Protein change: p.Arg2068His; replaces arginine 2068 with histidine.
Molecular consequence: missense variant.
Genome position (GRCh38, 1-based): chr20:62,322,412, C>T on the plus strand (G>A on the coding strand, the complement: LAMA5 is on the minus strand). VCF-style: chr20-62322412-C-T. GRCh37 (hg19) VCF-style: chr20-60897468-C-T.
Other names: short protein forms R2068H.
Identifiers: ClinVar variation 1981914 (VCV001981914.1), dbSNP rs770577169, ClinGen allele CA9941848.
Genomic context (GRCh38, chr20:62,322,412, plus strand): 5'-CACTGTCCGCTCTGGGGGTGGCACTCGGAGCCCTCGGCGGCCGGTCCACAAGCACACGGG[C>T]GGCAGCCCCCGCAGCCATCGAAACCAAAATGTCCCTCCTGTGGCACAGGCTGGTCACTGC-3'
Protein context (NP_005551.3, residues 2058-2078): HFGFDGCGGC[Arg2068His]PCACGPAAEG